The following is an entry in ClinVar:

NM_000370.3(TTPA):c.91C>G (p.Leu31Val)

Gene: TTPA (alpha tocopherol transfer protein; minus strand). Cytogenetic location: 8q12.3.
Variant type: single nucleotide variant.
Coding change: c.91C>G on transcript NM_000370.3 (MANE Select); coding-DNA position 91, C replaced by G.
Protein change: p.Leu31Val; replaces leucine 31 with valine.
Molecular consequence: missense variant. On other transcripts: non-coding transcript variant (3).
Genome position (GRCh38, 1-based): chr8:63,085,931, G>C on the plus strand (C>G on the coding strand, the complement: TTPA is on the minus strand). VCF-style: chr8-63085931-G-C. GRCh37 (hg19) VCF-style: chr8-63998490-G-C.
Other names: p.Leu31Val; c.91C>G, p.Leu31Val (NM_001413414.1, NM_001413415.1, NM_001413416.1 and 2 more transcripts); short protein forms L31V.
Identifiers: ClinVar variation 4541377 (VCV004541377.1).

ClinVar aggregate classification (germline): Uncertain significance (1 of 4 stars; one submission).

gnomAD v4.1: 3 of 1,519,614 alleles (0.0002%); highest among the groups gnomAD compares: Non-Finnish European, 0.00026%; no homozygotes.

Submission:

Mayo Clinic Laboratories, Mayo Clinic
Classification: Uncertain significance. Last evaluated: 2025-09-09. Review status: criteria provided, single submitter. Criteria: ACMG Guidelines, 2015. Collection method: clinical testing. Allele origin: germline. Observed: 1 variant allele.
Comment: PM2_supporting